The following is an entry in ClinVar:

NM_001371727.1(GABRB2):c.1308C>T (p.Ala436=)

Gene: GABRB2 (gamma-aminobutyric acid type A receptor subunit beta2; minus strand). Cytogenetic location: 5q34.
Variant type: single nucleotide variant.
Coding change: c.1308C>T on transcript NM_001371727.1 (MANE Select); coding-DNA position 1308, C replaced by T.
Protein change: p.Ala436=; no amino-acid change (alanine 436 retained).
Molecular consequence: synonymous variant.
Genome position (GRCh38, 1-based): chr5:161,294,312, G>A on the plus strand (C>T on the coding strand, the complement: GABRB2 is on the minus strand). VCF-style: chr5-161294312-G-A. GRCh37 (hg19) VCF-style: chr5-160721319-G-A.
Other names: p.Ala436=; c.1194C>T, p.Ala398= (NM_000813.3); c.1308C>T, p.Ala436= (NM_021911.3).
Identifiers: ClinVar variation 380805 (VCV000380805.14), dbSNP rs2229944, ClinGen allele CA3543342.

ClinVar aggregate classification (germline): Benign. Review status: criteria provided, multiple submitters, no conflicts (2 of 4 stars). 6 submissions from 6 submitters: Benign (6). Last evaluated 2026-02-03.

Conditions:
Intellectual disability. Also called: intellectual disabilities; Intellectual functioning disability; Intellectual developmental disorder. Identifiers: MedGen C3714756, MeSH D008607, MONDO:0001071, HP:0001249.

Allele frequency attached by ClinVar (database versions not stated): gnomAD 0.11064 and 0.11079; gnomAD exomes 0.11424 and 0.08291; 1000 Genomes Project 0.11781; TOPMed 0.12156; 1000 Genomes Project 30x 0.12336; ESP Exome Variant Server 0.10180; ExAC 0.10591.
gnomAD v4.1: 138,818 of 1,614,038 alleles (8.6%); highest among the groups gnomAD compares: Admixed American, 26%; 7,734 homozygotes.

Submissions (6):

Labcorp Genetics (formerly Invitae), Labcorp
Classification: Benign for Intellectual disability. Last evaluated: 2026-02-03. Review status: criteria provided, single submitter. Criteria: Invitae Variant Classification Sherloc (09022015). Collection method: clinical testing. Allele origin: germline.

Blueprint Genetics
Classification: Benign. Last evaluated: 2024-11-26. Review status: criteria provided, single submitter. Criteria: ACMG Guidelines, 2015. Collection method: clinical testing. Allele origin: germline.

Unidad de Genómica Garrahan, Hospital de Pediatría Garrahan
Classification: Benign. Last evaluated: 2024-07-15. Review status: criteria provided, single submitter. Criteria: ACMG Guidelines, 2015. Collection method: clinical testing. Allele origin: germline. Affected: no. Observed: 40 variant alleles.
Comment: This variant is classified as Benign based on local population frequency. This variant was detected in 43% of patients studied in a panel designed for Epileptic and Developmental Encephalopathy and Progressive Myoclonus Epilepsy. Number of patients: 40. Only high quality variants are reported.

Mayo Clinic Laboratories, Mayo Clinic
Classification: Benign. Last evaluated: 2018-08-02. Review status: criteria provided, single submitter. Criteria: ACMG Guidelines, 2015. Collection method: clinical testing. Allele origin: germline. Observed: 146 variant alleles.

Athena Diagnostics
Classification: Benign. Last evaluated: 2017-06-29. Review status: criteria provided, single submitter. Criteria: Athena Diagnostics Criteria. Collection method: clinical testing. Allele origin: germline.

GeneDx
Classification: Benign. Last evaluated: 2016-01-08. Review status: criteria provided, single submitter. Criteria: GeneDx Variant Classification (06012015). Collection method: clinical testing. Allele origin: germline. Affected: yes.
Comment: This variant is considered likely benign or benign based on one or more of the following criteria: it is a conservative change, it occurs at a poorly conserved position in the protein, it is predicted to be benign by multiple in silico algorithms, and/or has population frequency not consistent with disease.

Literature cited by the submitters: PubMed 12140781 (cited by Athena Diagnostics).